The following is an entry in ClinVar:

ClinVar aggregate classification (germline): Uncertain significance (1 of 4 stars; one submission).

Submission:

Labcorp Genetics (formerly Invitae), Labcorp
Classification: Uncertain significance. Last evaluated: 2023-07-23. Review status: criteria provided, single submitter. Criteria: Invitae Variant Classification Sherloc (09022015). Collection method: clinical testing. Allele origin: unknown.
Comment: In summary, the available evidence is currently insufficient to determine the role of this variant in disease. Therefore, it has been classified as a Variant of Uncertain Significance. This variant has not been reported in the literature in individuals affected with NEFH-related conditions. A copy number gain of the genomic region encompassing the full coding sequence of the NEFH gene has been identified. The boundaries of this event are unknown as they extend beyond the assayed region for this gene and therefore may encompass additional genes. As the precise location of this event is unknown, it may be in tandem or it may be located elsewhere in the genome.

NC_000022.10:g.(?_29876252)_(29886692_?)dup

Gene: NEFH (neurofilament heavy chain; plus strand). Cytogenetic location: 22q12.2.
Variant type: Duplication.
Identifiers: ClinVar variation 3248135 (VCV003248135.1).